The following is an entry in ClinVar:

ClinVar aggregate classification (germline): Uncertain significance (1 of 4 stars; one submission).

Submission:

Labcorp Genetics (formerly Invitae), Labcorp
Classification: Uncertain significance. Last evaluated: 2022-02-19. Review status: criteria provided, single submitter. Criteria: Invitae Variant Classification Sherloc (09022015). Collection method: clinical testing. Allele origin: germline.
Comment: In summary, the available evidence is currently insufficient to determine the role of this variant in disease. Therefore, it has been classified as a Variant of Uncertain Significance. Algorithms developed to predict the effect of sequence changes on RNA splicing suggest that this variant may disrupt the consensus splice site. This variant has not been reported in the literature in individuals affected with RP9-related conditions. This variant is not present in population databases (gnomAD no frequency). This sequence change affects a donor splice site in intron 1 of the RP9 gene. It is expected to disrupt RNA splicing. Variants that disrupt the donor or acceptor splice site typically lead to a loss of protein function (PMID: 16199547), however the current clinical and genetic evidence is not sufficient to establish whether loss-of-function variants in RP9 cause disease.

Literature cited by the submitters: PubMed 16199547.

NM_203288.2(RP9):c.152+1G>T

Genes: RP9 (RP9 pre-mRNA splicing factor; minus strand), LOC129998224 (ATAC-STARR-seq lymphoblastoid silent region 18089; plus strand). Cytogenetic location: 7p14.3.
Variant type: single nucleotide variant.
Coding change: c.152+1G>T on transcript NM_203288.2 (MANE Select); the canonical splice donor site of the intron after coding-DNA position 152, G replaced by T.
Molecular consequence: splice donor variant.
Genome position (GRCh38, 1-based): chr7:33,109,220, C>A on the plus strand (G>T on the coding strand, the complement: RP9 is on the minus strand). VCF-style: chr7-33109220-C-A. GRCh37 (hg19) VCF-style: chr7-33148832-C-A.
Identifiers: ClinVar variation 2099791 (VCV002099791.4), dbSNP rs2534927195, ClinGen allele CA367185160.